The following is an entry in ClinVar:

NM_024570.4(RNASEH2B):c.105_107del (p.Met36del)

Gene: RNASEH2B (ribonuclease H2 subunit B; plus strand). Cytogenetic location: 13q14.3.
Variant type: Deletion.
Coding change: c.105_107del on transcript NM_024570.4 (MANE Select); coding-DNA positions 105 to 107, 3 bases deleted (AAT; older notation c.105_107delAAT).
Protein change: p.Met36del; deletes methionine 36.
Molecular consequence: inframe deletion.
Genome position (GRCh38, 1-based): chr13:50,927,447-50,927,449, AAT deleted; deleting any 3 consecutive bases within chr13:50,927,446-50,927,449 gives the same sequence; the c. name uses the placement nearest the transcript's 3' end. VCF-style (leftmost placement, unchanged base first): chr13-50927445-CTAA-C. GRCh37 (hg19) VCF-style: chr13-51501581-CTAA-C.
Other names: c.105_107delAAT (NM_024570.3); c.105_107del, p.Met36del (NM_001142279.2); short protein forms M36del.
Identifiers: ClinVar variation 580770 (VCV000580770.7), dbSNP rs1566079047, ClinGen allele CA891844411.

ClinVar aggregate classification (germline): Uncertain significance. Review status: criteria provided, multiple submitters, no conflicts (2 of 4 stars). 2 submissions from 2 submitters: Uncertain significance (2). Last evaluated 2026-02-03.

Conditions:
Aicardi-Goutieres syndrome 2. Identifiers: Orphanet 51, MedGen C3489724, MONDO:0012429, OMIM 610181.

Submissions (2):

Myriad Genetics, Inc.
Classification: Uncertain significance for Aicardi-Goutieres syndrome 2. Last evaluated: 2026-02-03. Review status: criteria provided, single submitter. Criteria: Myriad Autosomal Dominant, Autosomal Recessive and X-Linked Classification Criteria (2023). Collection method: clinical testing. Allele origin: unknown.
Comment: NM_024570.3(RNASEH2B):c.105_107delAAT(M36del) is an in-frame deletion classified as a variant of uncertain significance in the context of Aicardi-Goutires syndrome, RNASEH2B-related. M36del has not been observed in cases with relevant disease. Relevant functional assessments of this variant are not available in the literature. M36del has not been observed in referenced population frequency databases. In summary, there is insufficient evidence to classify NM_024570.3(RNASEH2B):c.105_107delAAT(M36del) as pathogenic or benign. Please note: this variant was assessed in the context of healthy population screening.

Labcorp Genetics (formerly Invitae), Labcorp
Classification: Uncertain significance for Aicardi-Goutieres syndrome 2. Last evaluated: 2022-11-01. Review status: criteria provided, single submitter. Criteria: Invitae Variant Classification Sherloc (09022015). Collection method: clinical testing. Allele origin: germline.
Comment: This variant, c.105_107del, results in the deletion of 1 amino acid(s) of the RNASEH2B protein (p.Met36del), but otherwise preserves the integrity of the reading frame. This variant is not present in population databases (gnomAD no frequency). This variant has not been reported in the literature in individuals affected with RNASEH2B-related conditions. ClinVar contains an entry for this variant (Variation ID: 580770). Experimental studies and prediction algorithms are not available or were not evaluated, and the functional significance of this variant is currently unknown. In summary, the available evidence is currently insufficient to determine the role of this variant in disease. Therefore, it has been classified as a Variant of Uncertain Significance.